The following is an entry in ClinVar:

ClinVar aggregate classification (germline): Likely pathogenic (1 of 4 stars; one submission).

Conditions:
GNPTAB-mucolipidosis. Also called: UDP-N-acetylglucosamine-1-phosphotransferase subunit alpha/beta deficiency. Identifiers: MedGen CN322573, MONDO:0100122.

Submission:

Myriad Genetics, Inc.
Classification: Likely pathogenic for GNPTAB-mucolipidosis. Last evaluated: 2022-03-02. Review status: criteria provided, single submitter. Criteria: Myriad Autosomal Dominant, Autosomal Recessive and X-Linked Classification Criteria (2023). Collection method: clinical testing. Allele origin: unknown.
Comment: NM_024312.4(GNPTAB):c.3271_3272delGT(V1091Nfs*4) is expected to be pathogenic in the context of GNPTAB-related disorders. This variant is predicted to lead to an abnormal or absent protein product due to the creation of a premature termination codon in GNPTAB, a gene where loss-of-function variants are known to be pathogenic. Please note: this variant was assessed in the context of healthy population screening.

NM_024312.5(GNPTAB):c.3271_3272del (p.Val1091fs)

Gene: GNPTAB (N-acetylglucosamine-1-phosphate transferase subunits alpha and beta; minus strand). Cytogenetic location: 12q23.2.
Variant type: Deletion.
Coding change: c.3271_3272del on transcript NM_024312.5 (MANE Select); coding-DNA positions 3271 to 3272, 2 bases deleted (GT; older notation c.3271_3272delGT).
Protein change: p.Val1091fs; shifts the reading frame from valine 1091.
Molecular consequence: frameshift variant.
Genome position (GRCh38, 1-based): chr12:101,757,635-101,757,636, AC deleted on the plus strand (GT on the coding strand, the reverse complement: GNPTAB is on the minus strand). VCF-style (leftmost placement, unchanged base first): chr12-101757634-TAC-T. GRCh37 (hg19) VCF-style: chr12-102151412-TAC-T.
Other names: short protein forms V1091fs.
Identifiers: ClinVar variation 1724869 (VCV001724869.3), dbSNP rs2547951848, ClinGen allele CA2580085648.
Genomic context (GRCh38, chr12:101,757,634, plus strand): 5'-ATATTTGTTTTTGTCCTTATATGCTTTGTGGATTTTGTCAGTTACTGGTTTACAGTTTGT[TAC>T]TAGACTTTTAGTGACCGGTGGCTATGAGAAAATATAAGTAGATCAGATATCACATCAGAG-3'